The following is an entry in ClinVar:

ClinVar aggregate classification (germline): Pathogenic (0 of 4 stars; one submission).

Conditions:
Familial adenomatous polyposis 1 (FAP1). Also called: POLYPOSIS, ADENOMATOUS INTESTINAL; FAMILIAL ADENOMATOUS POLYPOSIS 1, ATTENUATED. Identifiers: MedGen C2713442, MONDO:0021056, OMIM 175100. Disease mechanism: loss of function.

Submission:

Department of Pathology and Laboratory Medicine, Sinai Health System
Classification: Pathogenic for Familial adenomatous polyposis 1. Review status: no assertion criteria provided. Collection method: clinical testing. Allele origin: unknown. Affected: yes. Study: The Canadian Open Genetics Repository (COGR).
Comment: The APC c.-85-?_1408+?del variant (chr:5 g.112073556_112157688delGRCh37) results in a deletion of promoter regions 1A,1B, 5â€šÃ„Ã´UTR, and exons 1 through 10, although the precise breakpoints of this deletion were not determined, nor were the effects of this variant on the resulting mRNA or protein product determined. The variant was identified in the literature in 1 of 2332 proband chromosomes from individuals or families with familial adenomatous polyposis (Aretz 2005, Friedl 2005). The variant was identified in LOVD 3.0 (1x as pathogenic). The c.-85-?_1408+?del variant was not identified in the dbSNP, ClinVar, and UMD-LSDB databases. The variant was not identified in the following control databases: the Exome Aggregation Consortium (August 8th 2016), or the Genome Aggregation Database (Feb 27, 2017). This alteration would typically be predicted to result in a truncated or absent protein and loss of function. Loss of function variants of the APC gene are an established mechanism of disease in familial adenomatous polyposis and is the type of variant expected to cause the disorder. In summary, based on the above information, this variant meets our laboratoryâ€šÃ„Ã´s criteria to be classified as pathogenic.

NM_000038.6(APC):c.-2_135+1274del

Gene: APC (APC regulator of Wnt signaling pathway; plus strand). Cytogenetic location: 5q22.2.
Variant type: Deletion.
Coding change: c.-2_135+1274del on transcript NM_000038.6 (MANE Select); 2 bases upstream of the start codon through 1274 bases into the intron after coding-DNA position 135, 1,411 bases deleted.
Molecular consequence: splice donor variant, initiator codon variant. On other transcripts: intron variant (8).
Genome position (GRCh38, 1-based): chr5:112,754,889-112,756,299, 1,411 bases deleted. GRCh37 (hg19): chr5:112,090,586-112,091,996.
Other names: c.-2_135+1274del (NM_001354895.2, NM_001127510.3, NM_001354896.2 and 2 more transcripts); c.166-11437_166-10027del (NM_001354897.2, NM_001354902.2, NM_001127511.3); c.61-11437_61-10027del (NM_001354898.2, NM_001354904.2); c.-1037_-901+1274del (NM_001354906.2); c.-42-11437_-42-10027del (NM_001354900.2, NM_001354901.2, NM_001354905.2).
Identifiers: ClinVar variation 1049324 (VCV001049324.2), ClinGen allele CA2499217386.